The following is an entry in ClinVar:

ClinVar aggregate classification (germline): Likely benign (1 of 4 stars; one submission).

gnomAD v4.1: 84 of 1,613,154 alleles (0.0052%); highest among the groups gnomAD compares: Admixed American, 0.12%; 1 homozygote.

Submission:

CeGaT Center for Human Genetics Tuebingen
Classification: Likely benign. Last evaluated: 2026-08-01. Review status: criteria provided, single submitter. Criteria: CeGaT Center For Human Genetics Tuebingen Variant Classification Criteria Version 2. Collection method: clinical testing. Allele origin: germline. Affected: yes. Observed: 1 variant allele.
Comment: POLRMT: BP4, BP7

NM_005035.4(POLRMT):c.3378G>A (p.Ser1126=)

Gene: POLRMT (RNA polymerase mitochondrial; minus strand). Cytogenetic location: 19p13.3.
Variant type: single nucleotide variant.
Coding change: c.3378G>A on transcript NM_005035.4 (MANE Select); coding-DNA position 3378, G replaced by A.
Protein change: p.Ser1126=; no amino-acid change (serine 1126 retained).
Molecular consequence: synonymous variant. On other transcripts: non-coding transcript variant (1), intron variant (2).
Genome position (GRCh38, 1-based): chr19:618,532, C>T on the plus strand (G>A on the coding strand, the complement: POLRMT is on the minus strand). VCF-style: chr19-618532-C-T. GRCh37 (hg19) VCF-style: chr19-618532-C-T.
Other names: c.3378G>A, p.Ser1126= (NM_001407805.1); c.3369G>A, p.Ser1123= (NM_001407806.1, NM_001407809.1); c.3366G>A, p.Ser1122= (NM_001407807.1, NM_001407810.1); c.3387G>A, p.Ser1129= (NM_001407808.1); c.3336G>A, p.Ser1112= (NM_001407811.1, NM_001407813.1); c.3339G>A, p.Ser1113= (NM_001407812.1); c.3300G>A, p.Ser1100= (NM_001407814.1, NM_001407815.1); c.3255G>A, p.Ser1085= (NM_001407829.1); and 7 more.
Identifiers: ClinVar variation 5039041 (VCV005039041.1).
Genomic context (GRCh38, chr19:618,532, plus strand): 5'-GTCCGGAGACGCCCACCTGTAGCAGTGCAGGGCGGTGAGCATCATGTGGGAGGAGTCCAG[C>T]GAGTGGATGAAGTTGGGCGGGAAGCCGTTCTTCTGCTTACGTGTGTTGGGCTTTCTGAGG-3'
Protein context (NP_005026.3, residues 1116-1136): KNGFPPNFIH[Ser1126=]LDSSHMMLTA